The following is an entry in ClinVar:

ClinVar aggregate classification (germline): Uncertain significance (1 of 4 stars; one submission).

Submission:

GeneDx
Classification: Uncertain significance. Last evaluated: 2024-05-23. Review status: criteria provided, single submitter. Criteria: GeneDx Variant Classification Process June 2021. Collection method: clinical testing. Allele origin: germline. Affected: yes.
Comment: Not observed at significant frequency in large population cohorts (gnomAD); In silico analysis indicates that this missense variant does not alter protein structure/function; Has not been previously published as pathogenic or benign to our knowledge

NM_016343.4(CENPF):c.7361T>C (p.Val2454Ala)

Gene: CENPF (centromere protein F; plus strand). Cytogenetic location: 1q41.
Variant type: single nucleotide variant.
Coding change: c.7361T>C on transcript NM_016343.4 (MANE Select); coding-DNA position 7361, T replaced by C.
Protein change: p.Val2454Ala; replaces valine 2454 with alanine.
Molecular consequence: missense variant.
Genome position (GRCh38, 1-based): chr1:214,646,931, T>C. VCF-style: chr1-214646931-T-C. GRCh37 (hg19) VCF-style: chr1-214820274-T-C.
Other names: short protein forms V2454A.
Identifiers: ClinVar variation 3381385 (VCV003381385.1).